The following is an entry in ClinVar:

NC_000001.10:g.(?_113456513)_(116311162_?)dup

Genes: MAGI3 (membrane associated guanylate kinase, WW and PDZ domain containing 3; plus strand), AMPD1 (adenosine monophosphate deaminase 1; minus strand), AP4B1 (adaptor related protein complex 4 subunit beta 1; minus strand), BCAS2 (BCAS2 pre-mRNA processing factor; minus strand), BCL2L15 (BCL2 like 15; minus strand) and 20 more. Cytogenetic location: 1p13.2-13.1.
Variant type: Duplication.
Identifiers: ClinVar variation 2424476 (VCV002424476.3).

ClinVar aggregate classification (germline): Uncertain significance (1 of 4 stars; one submission).

Conditions:
RASopathy. Also called: rasopathies; Noonan spectrum disorder. Identifiers: Orphanet 536391, MedGen C5555857, MONDO:0021060.

Submission:

Labcorp Genetics (formerly Invitae), Labcorp
Classification: Uncertain significance for RASopathy. Last evaluated: 2022-02-19. Review status: criteria provided, single submitter. Criteria: Invitae Variant Classification Sherloc (09022015). Collection method: clinical testing. Allele origin: germline.
Comment: In summary, the available evidence is currently insufficient to determine the role of this variant in disease. Therefore, it has been classified as a Variant of Uncertain Significance. This variant has not been reported in the literature in individuals affected with NRAS-related conditions. A copy number gain of the genomic region encompassing the full coding sequence of the NRAS gene has been identified. The boundaries of this event are unknown as they extend beyond the assayed region for this gene and therefore may encompass additional genes. As the precise location of this event is unknown, it may be in tandem or it may be located elsewhere in the genome.